The following is an entry in ClinVar:

ClinVar aggregate classification (germline): Uncertain significance (1 of 4 stars; one submission).

Conditions:
Hereditary cancer-predisposing syndrome. Also called: Tumor predisposition; Hereditary Cancer Syndrome; Hereditary neoplastic syndrome; Neoplastic Syndromes, Hereditary. Identifiers: Orphanet 140162, MedGen C0027672, MeSH D009386, MONDO:0015356.

Submission:

Ambry Genetics
Classification: Uncertain significance for Hereditary cancer-predisposing syndrome. Last evaluated: 2025-12-10. Review status: criteria provided, single submitter. Criteria: Ambry Variant Classification Scheme 2023. Collection method: clinical testing. Allele origin: germline.
Comment: The p.T287I variant (also known as c.860C>T), located in coding exon 6 of the RAD51C gene, results from a C to T substitution at nucleotide position 860. The threonine at codon 287 is replaced by isoleucine, an amino acid with similar properties. This amino acid position is conserved. In addition, the in silico prediction for this alteration is inconclusive. Based on the available evidence, the clinical significance of this variant remains unclear.

NM_058216.3(RAD51C):c.860C>T (p.Thr287Ile)

Gene: RAD51C (RAD51 paralog C; plus strand). Cytogenetic location: 17q22.
Variant type: single nucleotide variant.
Coding change: c.860C>T on transcript NM_058216.3 (MANE Select); coding-DNA position 860, C replaced by T.
Protein change: p.Thr287Ile; replaces threonine 287 with isoleucine.
Molecular consequence: missense variant. On other transcripts: non-coding transcript variant (1).
Genome position (GRCh38, 1-based): chr17:58,720,768, C>T. VCF-style: chr17-58720768-C-T. GRCh37 (hg19) VCF-style: chr17-56798129-C-T.
Other names: short protein forms T287I.
Identifiers: ClinVar variation 4542746 (VCV004542746.1).